The following is an entry in ClinVar:

ClinVar aggregate classification (germline): Uncertain significance (0 of 4 stars; one submission).

Conditions:
STXBP5-related disorder. Also called: STXBP5-related condition.

Submission:

PreventionGenetics, part of Exact Sciences
Classification: Uncertain significance for STXBP5-related condition. Last evaluated: 2024-09-25. Review status: no assertion criteria provided. Collection method: clinical testing. Allele origin: germline.
Comment: The STXBP5 c.2726T>C variant is predicted to result in the amino acid substitution p.Ile909Thr. To our knowledge, this variant has not been reported in the literature or in a large population database, indicating this variant is rare. At this time, the clinical significance of this variant is uncertain due to the absence of conclusive functional and genetic evidence.

NM_001127715.4(STXBP5):c.2726T>C (p.Ile909Thr)

Gene: STXBP5 (syntaxin binding protein 5; plus strand). Cytogenetic location: 6q24.3.
Variant type: single nucleotide variant.
Coding change: c.2726T>C on transcript NM_001127715.4 (MANE Select); coding-DNA position 2726, T replaced by C.
Protein change: p.Ile909Thr; replaces isoleucine 909 with threonine.
Molecular consequence: missense variant.
Genome position (GRCh38, 1-based): chr6:147,363,515, T>C. VCF-style: chr6-147363515-T-C. GRCh37 (hg19) VCF-style: chr6-147684651-T-C.
Other names: c.2678T>C, p.Ile893Thr (NM_001394409.1); c.2618T>C, p.Ile873Thr (NM_139244.6); short protein forms I873T, I893T, I909T.
Identifiers: ClinVar variation 3347403 (VCV003347403.1).